The following is an entry in ClinVar:

NM_001203.3(BMPR1B):c.523T>C (p.Ser175Pro)

Gene: BMPR1B (bone morphogenetic protein receptor type 1B; plus strand). Cytogenetic location: 4q22.3.
Variant type: single nucleotide variant.
Coding change: c.523T>C on transcript NM_001203.3 (MANE Select); coding-DNA position 523, T replaced by C.
Protein change: p.Ser175Pro; replaces serine 175 with proline.
Molecular consequence: missense variant.
Genome position (GRCh38, 1-based): chr4:95,125,059, T>C. VCF-style: chr4-95125059-T-C. GRCh37 (hg19) VCF-style: chr4-96046210-T-C.
Other names: c.523T>C (NM_001203.2); c.523T>C, p.Ser175Pro (NM_001256792.2, NM_001256794.1); c.613T>C, p.Ser205Pro (NM_001256793.2); short protein forms S175P, S205P.
Identifiers: ClinVar variation 1622077 (VCV001622077.10), dbSNP rs143554488, ClinGen allele CA3015011.

ClinVar aggregate classification (germline): Likely benign. Review status: criteria provided, single submitter (1 of 4 stars). 2 submissions from 2 submitters: Likely benign (1). 1 of the submissions does not count toward it. Last evaluated 2025-09-16.

Conditions:
BMPR1B-related disorder. Also called: BMPR1B-related condition.
Type A2 brachydactyly (BDA2). Also called: MOHR-WRIEDT TYPE BRACHYDACTYLY; Brachymesophalangy type 2; BRACHYMESOPHALANGY II. Identifiers: Orphanet 93396, MedGen C1832702, MONDO:0007216, OMIM 112600, HP:0009372.
Acromesomelic dysplasia 3 (AMD3). Also called: Acromesomelic dysplasia, Demirhan type; CHONDRODYSPLASIA, ACROMESOMELIC, WITH OR WITHOUT GENITAL ANOMALIES. Identifiers: MedGen C4225404, MONDO:0012274, OMIM 609441.

Allele frequency attached by ClinVar (database versions not stated): gnomAD exomes 0.00013; ExAC 0.00018; ESP Exome Variant Server 0.00069; 1000 Genomes Project 30x 0.00109; 1000 Genomes Project 0.00120.
gnomAD v4.1: 131 of 1,613,790 alleles (0.0081%); highest among the groups gnomAD compares: African/African-American, 0.16%; no homozygotes.

Submissions (2):

Labcorp Genetics (formerly Invitae), Labcorp
Classification: Likely benign for Type A2 brachydactyly; Acromesomelic dysplasia 3. Last evaluated: 2025-09-16. Review status: criteria provided, single submitter. Criteria: Invitae Variant Classification Sherloc (09022015). Collection method: clinical testing. Allele origin: germline.

PreventionGenetics, part of Exact Sciences
Classification: Likely benign for BMPR1B-related condition. Last evaluated: 2022-07-06. Review status: no assertion criteria provided. Collection method: clinical testing. Allele origin: germline. Not counted in ClinVar's aggregate classification.
Comment: This variant is classified as likely benign based on ACMG/AMP sequence variant interpretation guidelines (Richards et al. 2015 PMID: 25741868, with internal and published modifications).